The following is an entry in ClinVar:

NM_005422.4(TECTA):c.518A>G (p.Asp173Gly)

Genes: TBCEL-TECTA (TBCEL-TECTA readthrough; plus strand), TECTA (tectorin alpha; plus strand). Cytogenetic location: 11q23.3.
Variant type: single nucleotide variant.
Coding change: c.518A>G on transcript NM_005422.4 (MANE Select); coding-DNA position 518, A replaced by G.
Protein change: p.Asp173Gly; replaces aspartic acid 173 with glycine.
Molecular consequence: missense variant.
Genome position (GRCh38, 1-based): chr11:121,113,103, A>G. VCF-style: chr11-121113103-A-G. GRCh37 (hg19) VCF-style: chr11-120983812-A-G.
Other names: c.1475A>G, p.Asp492Gly (NM_001378761.1); short protein forms D173G, D492G.
Identifiers: ClinVar variation 2504659 (VCV002504659.1), dbSNP rs1272129707, ClinGen allele CA383021624.

ClinVar aggregate classification (germline): Uncertain significance (1 of 4 stars; one submission).

Allele frequency attached by ClinVar (database versions not stated): gnomAD exomes below 0.00001.
gnomAD v4.1: 1 of 1,614,056 alleles (0.000062%); highest among the groups gnomAD compares: South Asian, 0.0011%; no homozygotes.

Submission:

GeneDx
Classification: Uncertain significance. Last evaluated: 2022-12-12. Review status: criteria provided, single submitter. Criteria: GeneDx Variant Classification Process June 2021. Collection method: clinical testing. Allele origin: germline. Affected: yes.
Comment: Not observed at significant frequency in large population cohorts (gnomAD); In silico analysis supports that this missense variant does not alter protein structure/function; Has not been previously published as pathogenic or benign to our knowledge; This variant is associated with the following publications: (PMID: 31554319, 9590290, 21520338)